The following is an entry in ClinVar:

ClinVar aggregate classification (germline): Likely benign (1 of 4 stars; one submission).

Allele frequency attached by ClinVar (database versions not stated): ESP Exome Variant Server 0.00008; gnomAD 0.00014; gnomAD exomes 0.00020; ExAC 0.00038; 1000 Genomes Project 30x 0.00047; 1000 Genomes Project 0.00060.
gnomAD v4.1: 307 of 1,562,186 alleles (0.02%); highest among the groups gnomAD compares: East Asian, 0.047%; 1 homozygote.

Submission:

CeGaT Center for Human Genetics Tuebingen
Classification: Likely benign. Last evaluated: 2022-09-01. Review status: criteria provided, single submitter. Criteria: CeGaT Center For Human Genetics Tuebingen Variant Classification Criteria Version 2. Collection method: clinical testing. Allele origin: germline. Affected: yes. Observed: 1 variant allele.
Comment: ZNF414: BP4, BP7

NM_001146175.2(ZNF414):c.159G>A (p.Pro53=)

Gene: ZNF414 (zinc finger protein 414; minus strand). Cytogenetic location: 19p13.2.
Variant type: single nucleotide variant.
Coding change: c.159G>A on transcript NM_001146175.2 (MANE Select); coding-DNA position 159, G replaced by A.
Protein change: p.Pro53=; no amino-acid change (proline 53 retained).
Molecular consequence: synonymous variant.
Genome position (GRCh38, 1-based): chr19:8,513,186, C>T on the plus strand (G>A on the coding strand, the complement: ZNF414 is on the minus strand). VCF-style: chr19-8513186-C-T. GRCh37 (hg19) VCF-style: chr19-8578070-C-T.
Other names: c.159G>A, p.Pro53= (NM_032370.3).
Identifiers: ClinVar variation 2649203 (VCV002649203.24), dbSNP rs375812984, ClinGen allele CA9158528.